The following is an entry in ClinVar:

NM_206933.4(USH2A):c.8738G>A (p.Ser2913Asn)

Gene: USH2A (usherin; minus strand). Cytogenetic location: 1q41.
Variant type: single nucleotide variant.
Coding change: c.8738G>A on transcript NM_206933.4 (MANE Select); coding-DNA position 8738, G replaced by A.
Protein change: p.Ser2913Asn; replaces serine 2913 with asparagine.
Molecular consequence: missense variant.
Genome position (GRCh38, 1-based): chr1:215,867,114, C>T on the plus strand (G>A on the coding strand, the complement: USH2A is on the minus strand). VCF-style: chr1-215867114-C-T. GRCh37 (hg19) VCF-style: chr1-216040456-C-T.
Other names: short protein forms S2913N.
Identifiers: ClinVar variation 1020015 (VCV001020015.11), dbSNP rs1664492083, ClinGen allele CA344851416.

ClinVar aggregate classification (germline): Uncertain significance. Review status: criteria provided, single submitter (1 of 4 stars). 2 submissions from 2 submitters: Uncertain significance (1). 1 of the submissions does not count toward it. Last evaluated 2022-02-11.

Conditions:
Usher syndrome type 2A. Also called: USHER SYNDROME, TYPE IIA; RETINAL DISEASE IN USHER SYNDROME TYPE IIA, MODIFIER OF. Identifiers: Orphanet 231178, Orphanet 886, MedGen C1848634, MONDO:0010169, OMIM 276901.

Allele frequency attached by ClinVar (database versions not stated): gnomAD exomes 0.00001.
gnomAD v4.1: 7 of 1,614,112 alleles (0.00043%); highest among the groups gnomAD compares: East Asian, 0.0022%; no homozygotes.

Submissions (2):

Labcorp Genetics (formerly Invitae), Labcorp
Classification: Uncertain significance. Last evaluated: 2022-02-11. Review status: criteria provided, single submitter. Criteria: Invitae Variant Classification Sherloc (09022015). Collection method: clinical testing. Allele origin: germline.
Comment: In summary, the available evidence is currently insufficient to determine the role of this variant in disease. Therefore, it has been classified as a Variant of Uncertain Significance. Algorithms developed to predict the effect of missense changes on protein structure and function (SIFT, PolyPhen-2, Align-GVGD) all suggest that this variant is likely to be disruptive. ClinVar contains an entry for this variant (Variation ID: 1020015). This variant has not been reported in the literature in individuals affected with USH2A-related conditions. This variant is not present in population databases (gnomAD no frequency). This sequence change replaces serine, which is neutral and polar, with asparagine, which is neutral and polar, at codon 2913 of the USH2A protein (p.Ser2913Asn).

Natera, Inc.
Classification: Uncertain significance for Usher syndrome type 2A. Last evaluated: 2021-04-15. Review status: no assertion criteria provided. Collection method: clinical testing. Allele origin: germline. Not counted in ClinVar's aggregate classification.